The following is an entry in ClinVar:

ClinVar aggregate classification (germline): Benign/Likely benign. Review status: criteria provided, multiple submitters, no conflicts (2 of 4 stars). 6 submissions from 6 submitters: Benign (4); Likely benign (1). 1 of the submissions does not count toward it. Last evaluated 2026-02-03.

Conditions:
NEDD4L-related disorder. Also called: NEDD4L-related condition.
Periventricular nodular heterotopia 7 (PVNH7). Identifiers: MedGen C4310669, MONDO:0014966, OMIM 617201.

Allele frequency attached by ClinVar (database versions not stated): ESP Exome Variant Server 0.00756; TOPMed 0.00796; 1000 Genomes Project 0.00998; 1000 Genomes Project 30x 0.00999; gnomAD 0.01025 and 0.01046; gnomAD exomes 0.01342 and 0.01389; ExAC 0.02286.
gnomAD v4.1: 20,634 of 1,573,436 alleles (1.3%); highest among the groups gnomAD compares: South Asian, 3.4%; 207 homozygotes.

Submissions (6):

Labcorp Genetics (formerly Invitae), Labcorp
Classification: Benign. Last evaluated: 2026-02-03. Review status: criteria provided, single submitter. Criteria: Invitae Variant Classification Sherloc (09022015). Collection method: clinical testing. Allele origin: germline.

Mayo Clinic Laboratories, Mayo Clinic
Classification: Benign. Last evaluated: 2023-02-24. Review status: criteria provided, single submitter. Criteria: ACMG Guidelines, 2015. Collection method: clinical testing. Allele origin: germline. Observed: 6 variant alleles.
Comment: BS1, BS2, BP4, BP7

Fulgent Genetics
Classification: Likely benign for Periventricular nodular heterotopia 7. Last evaluated: 2021-07-13. Review status: criteria provided, single submitter. Criteria: ACMG Guidelines, 2015. Collection method: clinical testing. Allele origin: unknown.

GeneDx
Classification: Benign. Last evaluated: 2019-10-07. Review status: criteria provided, single submitter. Criteria: GeneDx Variant Classification Process June 2021. Collection method: clinical testing. Allele origin: germline. Affected: yes.

Breakthrough Genomics
Classification: Benign. Review status: criteria provided, single submitter. Criteria: ACMG Guidelines, 2015. Collection method: not provided. Allele origin: germline. Inheritance: Autosomal dominant inheritance. Affected: yes.

PreventionGenetics, part of Exact Sciences
Classification: Benign for NEDD4L-related condition. Last evaluated: 2019-09-23. Review status: no assertion criteria provided. Collection method: clinical testing. Allele origin: germline. Not counted in ClinVar's aggregate classification.
Comment: This variant is classified as benign based on ACMG/AMP sequence variant interpretation guidelines (Richards et al. 2015 PMID: 25741868, with internal and published modifications).

NM_001144967.3(NEDD4L):c.2752+6C>T

Gene: NEDD4L (NEDD4 like E3 ubiquitin protein ligase; plus strand). Cytogenetic location: 18q21.31.
Variant type: single nucleotide variant.
Coding change: c.2752+6C>T on transcript NM_001144967.3 (MANE Select); 6 bases into the intron after coding-DNA position 2752, C replaced by T.
Molecular consequence: intron variant.
Genome position (GRCh38, 1-based): chr18:58,390,748, C>T. VCF-style: chr18-58390748-C-T. GRCh37 (hg19) VCF-style: chr18-56057980-C-T.
Other names: p.?; c.2692+6C>T (NM_015277.6); c.2560+6C>T (NM_001243960.2); c.2389+6C>T (NM_001144964.1, NM_001144965.2, NM_001144966.3); c.2329+6C>T (NM_001144971.2, NM_001144970.3); c.2728+6C>T (NM_001144968.2); c.2668+6C>T (NM_001144969.2).
Identifiers: ClinVar variation 241027 (VCV000241027.17), dbSNP rs12964776, ClinGen allele CA8976044.